The following is an entry in ClinVar:

ClinVar aggregate classification (germline): Uncertain significance (1 of 4 stars; one submission).

Allele frequency attached by ClinVar (database versions not stated): gnomAD exomes below 0.00001; gnomAD 0.00001.
gnomAD v4.1: 5 of 1,611,522 alleles (0.00031%); highest among the groups gnomAD compares: Non-Finnish European, 0.00034%; no homozygotes.

Submission:

Ambry Genetics
Classification: Uncertain significance. Last evaluated: 2023-05-19. Review status: criteria provided, single submitter. Criteria: Ambry Variant Classification Scheme 2023. Collection method: clinical testing. Allele origin: germline.
Comment: The p.Q992R variant (also known as c.2975A>G), located in coding exon 15 of the NPAT gene, results from an A to G substitution at nucleotide position 2975. The glutamine at codon 992 is replaced by arginine, an amino acid with highly similar properties. This amino acid position is conserved. In addition, this alteration is predicted to be tolerated by in silico analysis. Since supporting evidence is limited at this time, the clinical significance of this alteration remains unclear.

NM_002519.3(NPAT):c.2975A>G (p.Gln992Arg)

Gene: NPAT (nuclear protein, coactivator of histone transcription; minus strand). Cytogenetic location: 11q22.3.
Variant type: single nucleotide variant.
Coding change: c.2975A>G on transcript NM_002519.3 (MANE Select); coding-DNA position 2975, A replaced by G.
Protein change: p.Gln992Arg; replaces glutamine 992 with arginine.
Molecular consequence: missense variant.
Genome position (GRCh38, 1-based): chr11:108,169,779, T>C on the plus strand (A>G on the coding strand, the complement: NPAT is on the minus strand). VCF-style: chr11-108169779-T-C. GRCh37 (hg19) VCF-style: chr11-108040506-T-C.
Other names: c.2975A>G, p.Gln992Arg (NM_001321307.1); short protein forms Q992R.
Identifiers: ClinVar variation 2561418 (VCV002561418.2), dbSNP rs2077932784, ClinGen allele CA382511828.